The following is an entry in ClinVar:

ClinVar aggregate classification (germline): Uncertain significance (1 of 4 stars; one submission).

Conditions:
Arrhythmogenic cardiomyopathy with wooly hair and keratoderma. Also called: PALMOPLANTAR KERATODERMA WITH LEFT VENTRICULAR CARDIOMYOPATHY AND WOOLLY HAIR; Carvajal syndrome; Dilated cardiomyopathy with woolly hair and keratoderma; Arrhythmogenic cardiomyopathy with woolly hair and keratoderma. Identifiers: Orphanet 65282, MedGen C1854063, MONDO:0011581, OMIM 605676.

Allele frequency attached by ClinVar (database versions not stated): gnomAD exomes below 0.00001; ExAC 0.00001.
gnomAD v4.1: 1 of 1,614,142 alleles (0.000062%); highest among the groups gnomAD compares: Admixed American, 0.0017%; no homozygotes.

Submission:

All of Us Research Program, National Institutes of Health
Classification: Uncertain significance for Arrhythmogenic cardiomyopathy with wooly hair and keratoderma. Last evaluated: 2023-07-10. Review status: criteria provided, single submitter. Criteria: ACMG Guidelines, 2015. Collection method: clinical testing. Allele origin: germline. Inheritance: Autosomal dominant inheritance. Observed: 1 variant allele, 1 heterozygote.
Comment: This missense variant replaces alanine with threonine at codon 731 of the DSP protein. Computational prediction suggests that this variant may not impact protein structure and function (internally defined REVEL score threshold <= 0.5, PMID: 27666373). To our knowledge, functional studies have not been reported for this variant. This variant has not been reported in individuals affected with DSP-related disorders in the literature. This variant has been identified in 1/251318 chromosomes in the general population by the Genome Aggregation Database (gnomAD). The available evidence is insufficient to determine the role of this variant in disease conclusively. Therefore, this variant is classified as a Variant of Uncertain Significance.

This study involves interpretation of variants in research participants for the purpose of population health screening. Participant phenotype was not available at the time of variant classification. Additional details can be found in publication PMID: 35346344, PMCID: PMC8962531

NM_004415.4(DSP):c.2191G>A (p.Ala731Thr)

Gene: DSP (desmoplakin; plus strand). Cytogenetic location: 6p24.3.
Variant type: single nucleotide variant.
Coding change: c.2191G>A on transcript NM_004415.4 (MANE Select); coding-DNA position 2191, G replaced by A.
Protein change: p.Ala731Thr; replaces alanine 731 with threonine.
Molecular consequence: missense variant.
Genome position (GRCh38, 1-based): chr6:7,574,146, G>A. VCF-style: chr6-7574146-G-A. GRCh37 (hg19) VCF-style: chr6-7574379-G-A.
Other names: c.2191G>A, p.Ala731Thr (NM_001008844.3, NM_001319034.2); short protein forms A731T.
Identifiers: ClinVar variation 3072334 (VCV003072334.1), dbSNP rs779962581, ClinGen allele CA032136.
Genomic context (GRCh38, chr6:7,574,146, plus strand): 5'-AGTGTGCAGAATGATTCACAAGCAATTGCTGAGGTTCTCAACCAGCTTAAAGATATGCTT[G>A]CCAACTTCAGAGGTTCTGAAAAGTACTGCTATTTACAGAATGAAGTATTTGGACTATTTC-3'
Protein context (NP_004406.2, residues 721-741): EVLNQLKDML[Ala731Thr]NFRGSEKYCY